The following is an entry in ClinVar:

NM_000179.3(MSH6):c.3281C>T (p.Ser1094Leu)

Gene: MSH6 (mutS homolog 6; plus strand). Cytogenetic location: 2p16.3.
Variant type: single nucleotide variant.
Coding change: c.3281C>T on transcript NM_000179.3 (MANE Select); coding-DNA position 3281, C replaced by T.
Protein change: p.Ser1094Leu; replaces serine 1094 with leucine.
Molecular consequence: missense variant.
Genome position (GRCh38, 1-based): chr2:47,803,528, C>T. VCF-style: chr2-47803528-C-T. GRCh37 (hg19) VCF-style: chr2-48030667-C-T.
Other names: c.2375C>T, p.Ser792Leu (NM_001406812.1, NM_001406814.1, NM_001406815.1 and 6 more transcripts); c.3287C>T, p.Ser1096Leu (NM_001406813.1); c.1715C>T, p.Ser572Leu (NM_001406817.1); c.2984C>T, p.Ser995Leu (NM_001406818.1, NM_001406819.1, NM_001406820.1 and 10 more transcripts); c.2891C>T, p.Ser964Leu (NM_001281492.2); c.3377C>T, p.Ser1126Leu (NM_001406795.1, NM_001406802.1); c.3281C>T, p.Ser1094Leu (NM_001406796.1, NM_001406800.1, NM_001406808.1 and 1 more transcripts); c.2756C>T, p.Ser919Leu (NM_001406799.1, NM_001406806.1, NM_001406807.1); and 6 more; short protein forms S1096L, S409L, S995L, S1038L, S1068L, S21L, S43L, S572L.
Identifiers: ClinVar variation 2040712 (VCV002040712.5), dbSNP rs774147100, ClinGen allele CA070571.

ClinVar aggregate classification (germline): Conflicting classifications of pathogenicity. Review status: criteria provided, conflicting classifications (1 of 4 stars). 2 submissions from 2 submitters: Uncertain significance (1); Likely benign (1). Last evaluated 2026-01-18.

Conditions:
Hereditary cancer-predisposing syndrome. Also called: Neoplastic Syndromes, Hereditary; Tumor predisposition; Hereditary Cancer Syndrome; Hereditary neoplastic syndrome. Identifiers: Orphanet 140162, MedGen C0027672, MeSH D009386, MONDO:0015356.
Hereditary nonpolyposis colorectal neoplasms. Identifiers: MedGen C0009405, MeSH D003123.

Allele frequency attached by ClinVar (database versions not stated): gnomAD exomes below 0.00001; ExAC 0.00001.
gnomAD v4.1: 1 of 1,614,068 alleles (0.000062%); highest among the groups gnomAD compares: South Asian, 0.0011%; no homozygotes.

Submissions (2):

Ambry Genetics
Classification: Uncertain significance for Hereditary cancer-predisposing syndrome. Last evaluated: 2026-01-18. Review status: criteria provided, single submitter. Criteria: Ambry Variant Classification Scheme 2023. Collection method: clinical testing. Allele origin: germline.
Comment: The p.S1094L variant (also known as c.3281C>T), located in coding exon 5 of the MSH6 gene, results from a C to T substitution at nucleotide position 3281. The serine at codon 1094 is replaced by leucine, an amino acid with dissimilar properties. This amino acid position is conserved. In addition, this alteration is predicted to be deleterious by in silico analysis. Based on the available evidence, the clinical significance of this variant remains unclear.

Labcorp Genetics (formerly Invitae), Labcorp
Classification: Likely benign for Hereditary nonpolyposis colorectal neoplasms. Last evaluated: 2023-07-17. Review status: criteria provided, single submitter. Criteria: Invitae Variant Classification Sherloc (09022015). Collection method: clinical testing. Allele origin: germline.